The following is an entry in ClinVar:

ClinVar aggregate classification (germline): Uncertain significance (1 of 4 stars; one submission).

Conditions:
Inborn genetic diseases. Identifiers: MedGen C0950123, MeSH D030342.

Submission:

Ambry Genetics
Classification: Uncertain significance for Inborn genetic diseases. Last evaluated: 2026-07-06. Review status: criteria provided, single submitter. Criteria: Ambry Variant Classification Scheme 2023. Collection method: clinical testing. Allele origin: germline.
Comment: The p.A25T variant (also known as c.73G>A), located in coding exon 1 of the CEBPA gene, results from a G to A substitution at nucleotide position 73. The alanine at codon 25 is replaced by threonine, an amino acid with similar properties. This amino acid position is conserved. In addition, this alteration is predicted to be tolerated by in silico analysis. Based on the available evidence, the clinical significance of this variant remains unclear.

NM_004364.5(CEBPA):c.73G>A (p.Ala25Thr)

Gene: CEBPA (CCAAT enhancer binding protein alpha; minus strand). Cytogenetic location: 19q13.11.
Variant type: single nucleotide variant.
Coding change: c.73G>A on transcript NM_004364.5 (MANE Select); coding-DNA position 73, G replaced by A.
Protein change: p.Ala25Thr; replaces alanine 25 with threonine.
Molecular consequence: missense variant. On other transcripts: 5 prime UTR variant (1).
Genome position (GRCh38, 1-based): chr19:33,302,342, C>T on the plus strand (G>A on the coding strand, the complement: CEBPA is on the minus strand). VCF-style: chr19-33302342-C-T. GRCh37 (hg19) VCF-style: chr19-33793248-C-T.
Other names: c.-285G>A (NM_001285829.2); c.178G>A, p.Ala60Thr (NM_001287424.2); c.31G>A, p.Ala11Thr (NM_001287435.2); short protein forms A11T, A25T, A60T.
Identifiers: ClinVar variation 5034279 (VCV005034279.1).